The following is an entry in ClinVar:

NM_015072.5(TTLL5):c.721T>C (p.Tyr241His)

Gene: TTLL5 (tubulin tyrosine ligase like 5; plus strand). Cytogenetic location: 14q24.3.
Variant type: single nucleotide variant.
Coding change: c.721T>C on transcript NM_015072.5 (MANE Select); coding-DNA position 721, T replaced by C.
Protein change: p.Tyr241His; replaces tyrosine 241 with histidine.
Molecular consequence: missense variant.
Genome position (GRCh38, 1-based): chr14:75,707,688, T>C. VCF-style: chr14-75707688-T-C. GRCh37 (hg19) VCF-style: chr14-76174031-T-C.
Other names: short protein forms Y241H.
Identifiers: ClinVar variation 1932256 (VCV001932256.2), dbSNP rs1353147889, ClinGen allele CA390457300.

ClinVar aggregate classification (germline): Uncertain significance (1 of 4 stars; one submission).

Allele frequency attached by ClinVar (database versions not stated): gnomAD 0.00001.
gnomAD v4.1: 1 of 1,612,858 alleles (0.000062%); highest among the groups gnomAD compares: East Asian, 0.0022%; no homozygotes.

Submission:

Labcorp Genetics (formerly Invitae), Labcorp
Classification: Uncertain significance. Last evaluated: 2022-07-09. Review status: criteria provided, single submitter. Criteria: Invitae Variant Classification Sherloc (09022015). Collection method: clinical testing. Allele origin: germline.
Comment: This sequence change replaces tyrosine, which is neutral and polar, with histidine, which is basic and polar, at codon 241 of the TTLL5 protein (p.Tyr241His). This variant is present in population databases (no rsID available, gnomAD 0.06%). This variant has not been reported in the literature in individuals affected with TTLL5-related conditions. Algorithms developed to predict the effect of missense changes on protein structure and function (SIFT, PolyPhen-2, Align-GVGD) all suggest that this variant is likely to be disruptive. In summary, the available evidence is currently insufficient to determine the role of this variant in disease. Therefore, it has been classified as a Variant of Uncertain Significance.